The following is an entry in ClinVar:

NM_020549.5(CHAT):c.1061C>T (p.Thr354Met)

Gene: CHAT (choline O-acetyltransferase; plus strand). Cytogenetic location: 10q11.23.
Variant type: single nucleotide variant.
Coding change: c.1061C>T on transcript NM_020549.5 (MANE Select); coding-DNA position 1061, C replaced by T.
Protein change: p.Thr354Met; replaces threonine 354 with methionine.
Molecular consequence: missense variant.
Genome position (GRCh38, 1-based): chr10:49,627,735, C>T. VCF-style: chr10-49627735-C-T. GRCh37 (hg19) VCF-style: chr10-50835781-C-T.
Other names: c.707C>T, p.Thr236Met (NM_001142929.2, NM_001142934.2, NM_020984.4 and 2 more transcripts); c.815C>T, p.Thr272Met (NM_001142933.2); short protein forms T236M, T354M, T272M.
Identifiers: ClinVar variation 523528 (VCV000523528.16), dbSNP rs769234940, ClinGen allele CA5497343.

ClinVar aggregate classification (germline): Pathogenic/Likely pathogenic. Review status: criteria provided, multiple submitters, no conflicts (2 of 4 stars). 3 submissions from 3 submitters: Pathogenic (2); Likely pathogenic (1). Last evaluated 2025-12-20.

Conditions:
Familial infantile myasthenia (CMS6). Also called: MYASTHENIC SYNDROME, CONGENITAL, 6, PRESYNAPTIC; Congenital myasthenic syndrome type 6; MYASTHENIC SYNDROME, PRESYNAPTIC, CONGENITAL, ASSOCIATED WITH EPISODIC APNEA. Identifiers: Orphanet 590, MedGen C0393929, MONDO:0009689, OMIM 254210.
Gastroesophageal reflux. Identifiers: MedGen C4317146, HP:0002020.
External ophthalmoplegia (CPEO). Identifiers: MedGen C0162292, HP:0000544.
Febrile seizure (within the age range of 3 months to 6 years). Also called: Febrile seizures; Febrile seizure; febrile convulsion. Identifiers: MedGen C0009952, HP:0002373.
Pes planus. Also called: flatfoot; Flat feet. Identifiers: MedGen C0016202, MONDO:0005293, HP:0001763.
Lactic acidosis. Identifiers: MedGen C0001125, MONDO:0006040, HP:0003128.
Aspiration pneumonia. Also called: Aspiration pneumonia (disease). Identifiers: MedGen C0032290, MONDO:0000265, HP:0011951.
Central sleep apnea. Identifiers: MedGen C0520680, MeSH D020182, HP:0010536.
Respiratory insufficiency. Identifiers: MedGen C0035229, HP:0002093.
Progressive ptosis. Identifiers: MedGen C1834015, HP:0007838.
Decreased activity of the pyruvate dehydrogenase complex. Identifiers: MedGen C1839888, HP:0002928.
Progressive muscle weakness. Identifiers: MedGen C0240421, HP:0003323.

Allele frequency attached by ClinVar (database versions not stated): ExAC 0.00001; gnomAD exomes 0.00002 and 0.00004; TOPMed 0.00002; gnomAD 0.00003.
gnomAD v4.1: 55 of 1,613,940 alleles (0.0034%); highest among the groups gnomAD compares: Non-Finnish European, 0.0046%; no homozygotes.

Submissions (3):

Labcorp Genetics (formerly Invitae), Labcorp
Classification: Pathogenic for Familial infantile myasthenia. Last evaluated: 2025-12-20. Review status: criteria provided, single submitter. Criteria: Invitae Variant Classification Sherloc (09022015). Collection method: clinical testing. Allele origin: germline.
Comment: This sequence change replaces threonine, which is neutral and polar, with methionine, which is neutral and non-polar, at codon 354 of the CHAT protein (p.Thr354Met). This variant is present in population databases (rs769234940, gnomAD 0.005%). This missense change has been observed in individual(s) with congenital myasthenic syndrome with episodic apnea (PMID: 15701560). In at least one individual the data is consistent with being in trans (on the opposite chromosome) from a pathogenic variant. ClinVar contains an entry for this variant (Variation ID: 523528). Invitae Evidence Modeling of protein sequence and biophysical properties (such as structural, functional, and spatial information, amino acid conservation, physicochemical variation, residue mobility, and thermodynamic stability) indicates that this missense variant is expected to disrupt CHAT protein function with a positive predictive value of 95%. For these reasons, this variant has been classified as Pathogenic.

Baylor Genetics
Classification: Likely pathogenic for Familial infantile myasthenia. Last evaluated: 2024-03-08. Review status: criteria provided, single submitter. Criteria: ACMG Guidelines, 2015. Collection method: clinical testing. Allele origin: unknown.

Centre for Mendelian Genomics, University Medical Centre Ljubljana
Classification: Pathogenic for Aspiration pneumonia; Central sleep apnea; Decreased activity of the pyruvate dehydrogenase complex; External ophthalmoplegia; Febrile seizure (within the age range of 3 months to 6 years); Gastroesophageal reflux; Lactic acidosis; Pes planus; Progressive muscle weakness; Progressive ptosis; Respiratory insufficiency. Last evaluated: 2017-01-01. Review status: criteria provided, single submitter. Criteria: ACMG Guidelines, 2015. Collection method: clinical testing. Allele origin: unknown. Affected: yes.

Literature cited by the submitters: PubMed 15701560 (cited by Labcorp Genetics (formerly Invitae), Labcorp).